The following is an entry in ClinVar:

ClinVar aggregate classification (germline): Likely pathogenic (1 of 4 stars; one submission).

Submission:

Labcorp Genetics (formerly Invitae), Labcorp
Classification: Likely pathogenic. Last evaluated: 2022-06-13. Review status: criteria provided, single submitter. Criteria: Invitae Variant Classification Sherloc (09022015). Collection method: clinical testing. Allele origin: germline.
Comment: In summary, the currently available evidence indicates that the variant is pathogenic, but additional data are needed to prove that conclusively. Therefore, this variant has been classified as Likely Pathogenic. Algorithms developed to predict the effect of sequence changes on RNA splicing suggest that this variant may disrupt the consensus splice site. Disruption of this splice site has been observed in individual(s) with clinical features of chondrodysplasia punctata (Invitae). This variant is not present in population databases (gnomAD no frequency). This sequence change affects an acceptor splice site in intron 2 of the EBP gene. It is expected to disrupt RNA splicing. Variants that disrupt the donor or acceptor splice site typically lead to a loss of protein function (PMID: 16199547), and loss-of-function variants in EBP are known to be pathogenic (PMID: 10391218).

Literature cited by the submitters: PubMed 16199547; PubMed 10391218.

NM_006579.3(EBP):c.302-1G>A

Gene: EBP (EBP cholestenol delta-isomerase; plus strand). Cytogenetic location: Xp11.23.
Variant type: single nucleotide variant.
Coding change: c.302-1G>A on transcript NM_006579.3 (MANE Select); the canonical splice acceptor site of the intron before coding-DNA position 302, G replaced by A.
Molecular consequence: splice acceptor variant.
Genome position (GRCh38, 1-based): chrX:48,526,988, G>A. VCF-style: chrX-48526988-G-A. GRCh37 (hg19) VCF-style: chrX-48385376-G-A.
Identifiers: ClinVar variation 1486480 (VCV001486480.8), dbSNP rs2147156320, ClinGen allele CA412852039.
Genomic context (GRCh38, chrX:48,526,988, plus strand): 5'-TCACAAGTGTGTGTTCCTTTCACTGCCTTTATTCTTCATATCTCTCTCTTCTTTTCTTCA[G>A]GGAAAGAGTATGCCAAGGGAGACAGCCGATACATCCTGTAAGTGTTTGCCTCTGTCAATG-3'